The following is an entry in ClinVar:

ClinVar aggregate classification (germline): Pathogenic. Review status: criteria provided, multiple submitters, no conflicts (2 of 4 stars). 2 submissions from 2 submitters: Pathogenic (2). Last evaluated 2025-02-19.

Conditions:
Bethlem myopathy 1A. Also called: Bethlem Muscular Dystrophy; MYOPATHY, BENIGN CONGENITAL, WITH CONTRACTURES; Bethlem myopathy 1. Identifiers: Orphanet 610, MedGen CN029274, MONDO:0024530, OMIM 158810.

Submissions (2):

Labcorp Genetics (formerly Invitae), Labcorp
Classification: Pathogenic for Bethlem myopathy 1A. Last evaluated: 2025-02-19. Review status: criteria provided, single submitter. Criteria: Invitae Variant Classification Sherloc (09022015). Collection method: clinical testing. Allele origin: germline.
Comment: This sequence change creates a premature translational stop signal (p.Pro584Leufs*12) in the COL6A2 gene. It is expected to result in an absent or disrupted protein product. Loss-of-function variants in COL6A2 are known to be pathogenic (PMID: 19884007, 20976770). This variant is not present in population databases (gnomAD no frequency). This variant has not been reported in the literature in individuals affected with COL6A2-related conditions. ClinVar contains an entry for this variant (Variation ID: 290249). For these reasons, this variant has been classified as Pathogenic.

Eurofins Ntd Llc (ga)
Classification: Pathogenic. Last evaluated: 2017-05-05. Review status: criteria provided, single submitter. Criteria: EGL Classification Definitions 2015. Collection method: clinical testing. Allele origin: germline. Observed: 2 variant alleles, 2 heterozygotes.

Literature cited by the submitters: PubMed 19884007 (cited by Labcorp Genetics (formerly Invitae), Labcorp); PubMed 20976770 (cited by Labcorp Genetics (formerly Invitae), Labcorp).

NM_001849.4(COL6A2):c.1751del (p.Pro584fs)

Gene: COL6A2 (collagen type VI alpha 2 chain; plus strand). Cytogenetic location: 21q22.3.
Variant type: Deletion.
Coding change: c.1751del on transcript NM_001849.4 (MANE Select); coding-DNA position 1751, one base deleted (C; older notation c.1751delC).
Protein change: p.Pro584fs; shifts the reading frame from proline 584.
Molecular consequence: frameshift variant.
Genome position (GRCh38, 1-based): chr21:46,124,901, C deleted; the last of 6 consecutive C bases (chr21:46,124,896-46,124,901); deleting any one gives the same sequence. VCF-style (leftmost placement, unchanged base first): chr21-46124895-GC-G. GRCh37 (hg19) VCF-style: chr21-47544809-GC-G.
Other names: c.1751delC (NM_001849.3); c.1751del, p.Pro584fs (NM_058174.3, NM_058175.3); short protein forms P584fs.
Identifiers: ClinVar variation 290249 (VCV000290249.11), dbSNP rs886044398, ClinGen allele CA10606706.